The following is an entry in ClinVar:

NM_019842.4(KCNQ5):c.60C>A (p.Ser20Arg)

Genes: KCNQ5 (potassium voltage-gated channel subfamily Q member 5; plus strand), KCNQ5-DT (KCNQ5 divergent transcript; minus strand), LOC129996711 (ATAC-STARR-seq lymphoblastoid silent region 17329; plus strand). Cytogenetic location: 6q13.
Variant type: single nucleotide variant.
Coding change: c.60C>A on transcript NM_019842.4 (MANE Select); coding-DNA position 60, C replaced by A.
Protein change: p.Ser20Arg; replaces serine 20 with arginine.
Molecular consequence: missense variant.
Genome position (GRCh38, 1-based): chr6:72,622,249, C>A. VCF-style: chr6-72622249-C-A. GRCh37 (hg19) VCF-style: chr6-73331977-C-A.
Other names: c.60C>A, p.Ser20Arg (NM_001160130.2, NM_001160132.2, NM_001160133.2 and 1 more transcripts); short protein forms S20R.
Identifiers: ClinVar variation 3368172 (VCV003368172.1).

ClinVar aggregate classification (germline): Uncertain significance (1 of 4 stars; one submission).

Submission:

GeneDx
Classification: Uncertain significance. Last evaluated: 2024-01-20. Review status: criteria provided, single submitter. Criteria: GeneDx Variant Classification Process June 2021. Collection method: clinical testing. Allele origin: germline. Affected: yes.
Comment: Not observed at significant frequency in large population cohorts (gnomAD); In silico analysis supports that this missense variant does not alter protein structure/function; Has not been previously published as pathogenic or benign to our knowledge